The following is an entry in ClinVar:

NM_001134363.3(RBM20):c.1232C>A (p.Pro411Gln)

Gene: RBM20 (RNA binding motif protein 20; plus strand). Cytogenetic location: 10q25.2.
Variant type: single nucleotide variant.
Coding change: c.1232C>A on transcript NM_001134363.3 (MANE Select); coding-DNA position 1232, C replaced by A.
Protein change: p.Pro411Gln; replaces proline 411 with glutamine.
Molecular consequence: missense variant.
Genome position (GRCh38, 1-based): chr10:110,781,841, C>A. VCF-style: chr10-110781841-C-A. GRCh37 (hg19) VCF-style: chr10-112541599-C-A.
Other names: short protein forms P411Q.
Identifiers: ClinVar variation 3636965 (VCV003636965.2).

ClinVar aggregate classification (germline): Uncertain significance (1 of 4 stars; one submission).

Conditions:
Dilated cardiomyopathy 1DD (CMD1DD). Identifiers: Orphanet 154, MedGen C2750995, MONDO:0013168, OMIM 613172.

Submission:

Labcorp Genetics (formerly Invitae), Labcorp
Classification: Uncertain significance for Dilated cardiomyopathy 1DD. Last evaluated: 2024-08-27. Review status: criteria provided, single submitter. Criteria: Invitae Variant Classification Sherloc (09022015). Collection method: clinical testing. Allele origin: germline.
Comment: This sequence change replaces proline, which is neutral and non-polar, with glutamine, which is neutral and polar, at codon 411 of the RBM20 protein (p.Pro411Gln). This variant is not present in population databases (gnomAD no frequency). This variant has not been reported in the literature in individuals affected with RBM20-related conditions. Invitae Evidence Modeling of protein sequence and biophysical properties (such as structural, functional, and spatial information, amino acid conservation, physicochemical variation, residue mobility, and thermodynamic stability) indicates that this missense variant is not expected to disrupt RBM20 protein function with a negative predictive value of 95%. In summary, the available evidence is currently insufficient to determine the role of this variant in disease. Therefore, it has been classified as a Variant of Uncertain Significance.